The following is an entry in ClinVar:

ClinVar aggregate classification (germline): Conflicting classifications of pathogenicity. Review status: criteria provided, conflicting classifications (1 of 4 stars). 4 submissions from 4 submitters: Uncertain significance (3); Likely benign (1). Last evaluated 2025-08-11.

Allele frequency attached by ClinVar (database versions not stated): ExAC 0.00002; gnomAD 0.00001.
gnomAD v4.1: 4 of 1,611,614 alleles (0.00025%); highest among the groups gnomAD compares: Admixed American, 0.0017%; no homozygotes.

Submissions (4):

GeneDx
Classification: Uncertain significance. Last evaluated: 2025-08-11. Review status: criteria provided, single submitter. Criteria: GeneDx Variant Classification Process June 2021. Collection method: clinical testing. Allele origin: germline. Affected: yes.
Comment: Not observed at significant frequency in large population cohorts (gnomAD); In silico analysis supports a deleterious effect on splicing; Has not been previously published as pathogenic or benign to our knowledge

Women's Health and Genetics/Laboratory Corporation of America, LabCorp
Classification: Uncertain significance. Last evaluated: 2024-02-15. Review status: criteria provided, single submitter. Criteria: LabCorp Variant Classification Summary - May 2015. Collection method: clinical testing. Allele origin: germline.
Comment: Variant summary: COL11A2 c.1442C>T (p.Ala481Val) results in a non-conservative amino acid change in the encoded protein sequence. Four of five in-silico tools predict a damaging effect of the variant on protein function. The variant allele was found at a frequency of 8e-06 in 248910 control chromosomes. The available data on variant occurrences in the general population are insufficient to allow any conclusion about variant significance. To our knowledge, no occurrence of c.1442C>T in individuals affected with COL11A2-Related Disorders and no experimental evidence demonstrating its impact on protein function have been reported. ClinVar contains an entry for this variant (Variation ID: 2146979). Based on the evidence outlined above, the variant was classified as uncertain significance.

Labcorp Genetics (formerly Invitae), Labcorp
Classification: Likely benign. Last evaluated: 2023-01-01. Review status: criteria provided, single submitter. Criteria: Invitae Variant Classification Sherloc (09022015). Collection method: clinical testing. Allele origin: germline.

Revvity Omics, Revvity
Classification: Uncertain significance. Last evaluated: 2021-12-06. Review status: criteria provided, single submitter. Criteria: ACMG Guidelines, 2015. Collection method: clinical testing. Allele origin: germline.

NM_080680.3(COL11A2):c.1442C>T (p.Ala481Val)

Gene: COL11A2 (collagen type XI alpha 2 chain; minus strand). Cytogenetic location: 6p21.32.
Variant type: single nucleotide variant.
Coding change: c.1442C>T on transcript NM_080680.3 (MANE Select); coding-DNA position 1442, C replaced by T.
Protein change: p.Ala481Val; replaces alanine 481 with valine.
Molecular consequence: missense variant.
Genome position (GRCh38, 1-based): chr6:33,179,723, G>A on the plus strand (C>T on the coding strand, the complement: COL11A2 is on the minus strand). VCF-style: chr6-33179723-G-A. GRCh37 (hg19) VCF-style: chr6-33147500-G-A.
Other names: c.1442C>T (NM_080680.2); c.1121C>T, p.Ala374Val (NM_080679.3); c.1184C>T, p.Ala395Val (NM_080681.3); short protein forms A481V, A395V, A374V.
Identifiers: ClinVar variation 2146979 (VCV002146979.10), dbSNP rs749620886, ClinGen allele CA3751359.